The following is an entry in ClinVar:

NM_001961.4(EEF2):c.637G>T (p.Gly213Cys)

Gene: EEF2 (eukaryotic translation elongation factor 2; minus strand). Cytogenetic location: 19p13.3.
Variant type: single nucleotide variant.
Coding change: c.637G>T on transcript NM_001961.4 (MANE Select); coding-DNA position 637, G replaced by T.
Protein change: p.Gly213Cys; replaces glycine 213 with cysteine.
Molecular consequence: missense variant.
Genome position (GRCh38, 1-based): chr19:3,982,400, C>A on the plus strand (G>T on the coding strand, the complement: EEF2 is on the minus strand). VCF-style: chr19-3982400-C-A. GRCh37 (hg19) VCF-style: chr19-3982398-C-A.
Other names: short protein forms G213C.
Identifiers: ClinVar variation 585837 (VCV000585837.5), dbSNP rs773181804, ClinGen allele CA9089235.

ClinVar aggregate classification (germline): Uncertain significance. Review status: criteria provided, multiple submitters, no conflicts (2 of 4 stars). 2 submissions from 2 submitters: Uncertain significance (2). Last evaluated 2025-09-08.

Allele frequency attached by ClinVar (database versions not stated): gnomAD 0.00001; gnomAD exomes 0.00001; TOPMed 0.00001.
gnomAD v4.1: 12 of 1,614,014 alleles (0.00074%); highest among the groups gnomAD compares: Non-Finnish European, 0.001%; no homozygotes.

Submissions (2):

Athena Diagnostics
Classification: Uncertain significance. Last evaluated: 2025-09-08. Review status: criteria provided, single submitter. Criteria: Athena Diagnostics Criteria. Collection method: clinical testing. Allele origin: unknown.
Comment: Available data are insufficient to determine the clinical significance of the variant at this time. The frequency of this variant in the general population is uninformative in assessment of its pathogenicity. Polyphen and MutationTaster predict this amino acid change may be damaging to the protein.

Ambry Genetics
Classification: Uncertain significance. Last evaluated: 2022-03-23. Review status: criteria provided, single submitter. Criteria: Ambry Variant Classification Scheme 2023. Collection method: clinical testing. Allele origin: germline.